The following is an entry in ClinVar:

NM_015202.5(KATNIP):c.419A>C (p.Gln140Pro)

Gene: KATNIP (katanin interacting protein; plus strand). Cytogenetic location: 16p12.1.
Variant type: single nucleotide variant.
Coding change: c.419A>C on transcript NM_015202.5 (MANE Select); coding-DNA position 419, A replaced by C.
Protein change: p.Gln140Pro; replaces glutamine 140 with proline.
Molecular consequence: missense variant.
Genome position (GRCh38, 1-based): chr16:27,648,614, A>C. VCF-style: chr16-27648614-A-C. GRCh37 (hg19) VCF-style: chr16-27659935-A-C.
Other names: p.Gln140Pro; c.419A>C (NM_015202.3, NM_015202.4); short protein forms Q140P.
Identifiers: ClinVar variation 3112894 (VCV003112894.3), dbSNP rs370608511, ClinGen allele CA7977324.

ClinVar aggregate classification (germline): Uncertain significance. Review status: criteria provided, multiple submitters, no conflicts (2 of 4 stars). 3 submissions from 3 submitters: Uncertain significance (3). Last evaluated 2025-12-09.

Allele frequency attached by ClinVar (database versions not stated): ExAC 0.00003; gnomAD 0.00007; TOPMed 0.00007; ESP Exome Variant Server 0.00008.
gnomAD v4.1: 321 of 1,614,072 alleles (0.02%); highest among the groups gnomAD compares: Non-Finnish European, 0.026%; no homozygotes.

Submissions (3):

Mayo Clinic Laboratories, Mayo Clinic
Classification: Uncertain significance. Last evaluated: 2025-12-09. Review status: criteria provided, single submitter. Criteria: ACMG Guidelines, 2015. Collection method: clinical testing. Allele origin: germline. Observed: 1 variant allele.
Comment: BP4

GeneDx
Classification: Uncertain significance. Last evaluated: 2025-04-22. Review status: criteria provided, single submitter. Criteria: GeneDx Variant Classification Process June 2021. Collection method: clinical testing. Allele origin: germline. Affected: yes.
Comment: In silico analysis indicates that this missense variant does not alter protein structure/function; Has not been previously published as pathogenic or benign to our knowledge

Ambry Genetics
Classification: Uncertain significance. Last evaluated: 2024-02-27. Review status: criteria provided, single submitter. Criteria: Ambry Variant Classification Scheme 2023. Collection method: clinical testing. Allele origin: germline.